The following is an entry in ClinVar:

ClinVar aggregate classification (germline): Likely benign. Review status: criteria provided, multiple submitters, no conflicts (2 of 4 stars). 5 submissions from 5 submitters: Likely benign (4). 1 of the submissions does not count toward it. Last evaluated 2025-09-04.

Conditions:
NDUFS3-related disorder. Also called: NDUFS3-Related Disorders; NDUFS3-related condition.

Allele frequency attached by ClinVar (database versions not stated): 1000 Genomes Project 0.00040; 1000 Genomes Project 30x 0.00047; ESP Exome Variant Server 0.00062; TOPMed 0.00062; gnomAD 0.00077 and 0.00079; gnomAD exomes 0.00013; ExAC 0.00018.
gnomAD v4.1: 197 of 1,614,146 alleles (0.012%); highest among the groups gnomAD compares: African/African-American, 0.25%; no homozygotes.

Submissions (5):

Labcorp Genetics (formerly Invitae), Labcorp
Classification: Likely benign. Last evaluated: 2025-09-04. Review status: criteria provided, single submitter. Criteria: Invitae Variant Classification Sherloc (09022015). Collection method: clinical testing. Allele origin: germline.

Blueprint Genetics
Classification: Likely benign. Last evaluated: 2024-02-13. Review status: criteria provided, single submitter. Criteria: ACMG Guidelines, 2015. Collection method: clinical testing. Allele origin: germline.

ARUP Laboratories, Molecular Genetics and Genomics, ARUP Laboratories
Classification: Likely benign. Last evaluated: 2017-09-16. Review status: criteria provided, single submitter. Criteria: ARUP Molecular Germline Variant Investigation Process. Collection method: clinical testing. Allele origin: germline.
Comment: The c.99G>T variant (rs148226917) has not been previously associated with any mitochondrial disorder and is listed in Genome Aggregation Database (gnomAD) browser with a frequency in African populations of 0.22% (identified in 52 out of 23,958 chromosomes). This variant affects a weakly conserved nucleotide (Alamut software v 2.9), does not alter the amino acid sequence of NDUFS3 protein, and is not predicted to disrupt canonical NDUFS3 mRNA splicing (Alamut software v 2.9). Therefore, the c.99G>T variant is likely to be benign.

Breakthrough Genomics
Classification: Likely benign. Review status: criteria provided, single submitter. Criteria: ACMG Guidelines, 2015. Collection method: not provided. Allele origin: germline. Inheritance: Autosomal recessive inheritance. Affected: yes.

PreventionGenetics, part of Exact Sciences
Classification: Likely benign for NDUFS3-related condition. Last evaluated: 2020-04-27. Review status: no assertion criteria provided. Collection method: clinical testing. Allele origin: germline. Not counted in ClinVar's aggregate classification.
Comment: This variant is classified as likely benign based on ACMG/AMP sequence variant interpretation guidelines (Richards et al. 2015 PMID: 25741868, with internal and published modifications).

NM_004551.3(NDUFS3):c.99G>T (p.Pro33=)

Gene: NDUFS3 (NADH:ubiquinone oxidoreductase core subunit S3; plus strand). Cytogenetic location: 11p11.2.
Variant type: single nucleotide variant.
Coding change: c.99G>T on transcript NM_004551.3 (MANE Select); coding-DNA position 99, G replaced by T.
Protein change: p.Pro33=; no amino-acid change (proline 33 retained).
Molecular consequence: synonymous variant.
Genome position (GRCh38, 1-based): chr11:47,579,300, G>T. VCF-style: chr11-47579300-G-T. GRCh37 (hg19) VCF-style: chr11-47600852-G-T.
Identifiers: ClinVar variation 618750 (VCV000618750.21), dbSNP rs148226917, ClinGen allele CA5977806.